The following is an entry in ClinVar:

NM_000641.4(IL11):c.276del (p.Val93fs)

Gene: IL11 (interleukin 11; minus strand). Cytogenetic location: 19q13.42.
Variant type: Deletion.
Coding change: c.276del on transcript NM_000641.4 (MANE Select); coding-DNA position 276, one base deleted (T; older notation c.276delT).
Protein change: p.Val93fs; shifts the reading frame from valine 93.
Molecular consequence: frameshift variant.
Genome position (GRCh38, 1-based): chr19:55,368,363, A deleted on the plus strand (T on the coding strand, the reverse complement: IL11 is on the minus strand). VCF-style (leftmost placement, unchanged base first): chr19-55368362-CA-C. GRCh37 (hg19) VCF-style: chr19-55879730-CA-C.
Other names: c.39del, p.Val14fs (NM_001267718.2); c.276delT (NM_000641.4); short protein forms V14fs, V93fs.
Identifiers: ClinVar variation 5043376 (VCV005043376.1).
Genomic context (GRCh38, chr19:55,368,362, plus strand): 5'-GGCGCAGCCACTGCACGTGCCGCAGGTAGGACAGTAGGTCCGCTCGCAGCCTTGTCAGCA[CA>C]CCTGGGAGCTGGGGATAGAGCCGGGACATCAGAGAACACCCGACCAGTGCCCCTCATCCT-3'

ClinVar aggregate classification (germline): Uncertain significance (1 of 4 stars; one submission).

Conditions:
Craniosynostosis and dental anomalies (CRSDA). Also called: KREIBORG-PAKISTANI SYNDROME. Identifiers: Orphanet 284149, MedGen C3280073, MONDO:0013615, OMIM 614188.

Submission:

Istanbul Faculty of Medicine, Istanbul University
Classification: Uncertain significance for Craniosynostosis and dental anomalies. Last evaluated: 2026-09-28. Review status: criteria provided, single submitter. Criteria: ACMG Guidelines, 2015. Collection method: clinical testing. Allele origin: germline. Affected: yes.
Comment: NM_000641.4:c.276delT (p.Val93CysfsTer2) is a frameshift variant in exon 4 of IL11, predicted to result in a premature termination codon. Classified as Uncertain significance according to the ACMG/AMP guidelines (Richards et al., 2015), based on the following evidence: PM2 - the variant is absent from population databases (gnomAD). PM3 - the variant was detected in the homozygous state in an affected individual, consistent with autosomal recessive inheritance. PP4 - the patient's phenotype (craniosynostosis and dental anomalies) is highly specific for impaired IL-11 signalling, as described in IL11RA-related craniosynostosis and dental anomalies. As the gene-disease relationship between IL11 and this phenotype is not yet established, the variant is reported as of uncertain significance.